The following is an entry in ClinVar:

ClinVar aggregate classification (germline): Likely pathogenic (1 of 4 stars; one submission).

Conditions:
Mucopolysaccharidosis type 6 (MPS6). Also called: N-ACETYLGALACTOSAMINE-4-SULFATASE DEFICIENCY; MPS VI; MPS 6; Maroteaux Lamy syndrome; ARSB DEFICIENCY; ARYLSULFATASE B DEFICIENCY. Identifiers: Orphanet 583, MedGen C0026709, MONDO:0009661, OMIM 253200.

Submission:

Laboratory of Diagnosis and Therapy of Lysosomal Disorders, University of Padova
Classification: Likely pathogenic for Mucopolysaccharidosis type 6. Last evaluated: 2018-01-01. Review status: criteria provided, single submitter. Criteria: ACMG Guidelines, 2015. Collection method: curation. Allele origin: germline. Affected: yes.
Comment: Frameshift variant (PVS1); Absent from GnomAD (PM2)

Literature cited by the submitters: PubMed 17458871; PubMed 30118150.

NM_000046.5(ARSB):c.114del (p.Ala39fs)

Genes: ARSB (arylsulfatase B; minus strand), LOC129994126 (ATAC-STARR-seq lymphoblastoid silent region 16127; plus strand). Cytogenetic location: 5q14.1.
Variant type: Deletion.
Coding change: c.114del on transcript NM_000046.5 (MANE Select); coding-DNA position 114, one base deleted (C; older notation c.114delC).
Protein change: p.Ala39fs; shifts the reading frame from alanine 39.
Molecular consequence: frameshift variant.
Genome position (GRCh38, 1-based): chr5:78,985,135, G deleted on the plus strand (C on the coding strand, the reverse complement: ARSB is on the minus strand). VCF-style (leftmost placement, unchanged base first): chr5-78985134-CG-C. GRCh37 (hg19) VCF-style: chr5-78280957-CG-C.
Other names: c.114del, p.Ala39fs (NM_198709.3); short protein forms A39fs.
Identifiers: ClinVar variation 559681 (VCV000559681.1), dbSNP rs1554032252, ClinGen allele CA658822945.